The following is an entry in ClinVar:

ClinVar aggregate classification (germline): Benign/Likely benign. Review status: criteria provided, multiple submitters, no conflicts (2 of 4 stars). 3 submissions from 3 submitters: Benign (2); Likely benign (1). Last evaluated 2025-12-24.

Conditions:
Hereditary cancer-predisposing syndrome. Also called: Hereditary neoplastic syndrome; Tumor predisposition; Hereditary Cancer Syndrome; Neoplastic Syndromes, Hereditary. Identifiers: Orphanet 140162, MedGen C0027672, MeSH D009386, MONDO:0015356.
Breast-ovarian cancer, familial, susceptibility to, 4. Identifiers: Orphanet 145, MedGen C3280345, MONDO:0013669, OMIM 614291.

Submissions (3):

Labcorp Genetics (formerly Invitae), Labcorp
Classification: Benign for Breast-ovarian cancer, familial, susceptibility to, 4. Last evaluated: 2025-12-24. Review status: criteria provided, single submitter. Criteria: Invitae Variant Classification Sherloc (09022015). Collection method: clinical testing. Allele origin: germline.

Myriad Genetics, Inc.
Classification: Benign for Breast-ovarian cancer, familial, susceptibility to, 4. Last evaluated: 2025-02-21. Review status: criteria provided, single submitter. Criteria: Myriad Autosomal Dominant, Autosomal Recessive and X-Linked Classification Criteria (2023). Collection method: clinical testing. Allele origin: unknown.
Comment: This variant is considered benign. This variant is intronic and is not expected to impact mRNA splicing.

Color Diagnostics, LLC DBA Color Health
Classification: Likely benign for Hereditary cancer-predisposing syndrome. Last evaluated: 2017-03-13. Review status: criteria provided, single submitter. Criteria: ACMG Guidelines, 2015. Collection method: clinical testing. Allele origin: germline.

NM_002878.4(RAD51D):c.481-23_481-20del

Genes: RAD51D (RAD51 paralog D; minus strand), RAD51L3-RFFL (RAD51L3-RFFL readthrough; minus strand). Cytogenetic location: 17q12.
Variant type: Deletion.
Coding change: c.481-23_481-20del on transcript NM_002878.4 (MANE Select); 23 bases into the intron before coding-DNA position 481 through 20 bases into the intron before coding-DNA position 481, 4 bases deleted (GCTT; older notation c.481-23_481-20delGCTT).
Molecular consequence: intron variant.
Genome position (GRCh38, 1-based): chr17:35,106,501-35,106,504, AAGC deleted on the plus strand (GCTT on the coding strand, the reverse complement: RAD51D is on the minus strand); deleting any 4 consecutive bases within chr17:35,106,501-35,106,507 gives the same sequence; the c. name uses the placement nearest the transcript's 3' end. VCF-style (leftmost placement, unchanged base first): chr17-35106500-AAAGC-A. GRCh37 (hg19) VCF-style: chr17-33433519-AAAGC-A.
Other names: c.145-23_145-20del (NM_133629.3); c.541-23_541-20del (NM_001142571.2); c.481-23_481-20delGCTT (NM_002878.3).
Identifiers: ClinVar variation 492431 (VCV000492431.13), dbSNP rs760861758, ClinGen allele CA8499457.